The following is an entry in ClinVar:

ClinVar aggregate classification (germline): Uncertain significance (1 of 4 stars; one submission).

Conditions:
Hereditary cancer-predisposing syndrome. Also called: Neoplastic Syndromes, Hereditary; Tumor predisposition; Hereditary Cancer Syndrome; Hereditary neoplastic syndrome. Identifiers: Orphanet 140162, MedGen C0027672, MeSH D009386, MONDO:0015356.

Submission:

Ambry Genetics
Classification: Uncertain significance for Hereditary cancer-predisposing syndrome. Last evaluated: 2026-04-27. Review status: criteria provided, single submitter. Criteria: Ambry Variant Classification Scheme 2023. Collection method: clinical testing. Allele origin: germline.
Comment: The c.1654-3_1654-2delTA intronic variant, located in intron 10 of the PDGFRA gene, results from a deletion of two nucleotides within intron 10 of the PDGFRA gene. This variant does not change the sequence of the canonical acceptor at this splice site. This nucleotide region is generally well conserved in available vertebrate species. In silico splice site analysis for this alteration is inconclusive. Based on the available evidence, the clinical significance of this variant remains unclear.

NM_006206.6(PDGFRA):c.1654-3_1654-2del

Gene: PDGFRA (platelet derived growth factor receptor alpha; plus strand). Cytogenetic location: 4q12.
Variant type: Microsatellite.
Coding change: c.1654-3_1654-2del on transcript NM_006206.6 (MANE Select); 3 bases into the intron before coding-DNA position 1654 through the canonical splice acceptor site of the intron before coding-DNA position 1654, 2 bases deleted (TA; older notation c.1654-3_1654-2delTA).
Molecular consequence: splice acceptor variant.
Genome position (GRCh38, 1-based): chr4:54,274,838-54,274,839, TA deleted; deleting any 2 consecutive bases within chr4:54,274,836-54,274,839 gives the same sequence; the c. name uses the placement nearest the transcript's 3' end. VCF-style (leftmost placement, unchanged base first): chr4-54274835-TTA-T. GRCh37 (hg19) VCF-style: chr4-55141002-TTA-T.
Other names: c.1729-3_1729-2del (NM_001347828.2); c.1654-3_1654-2del (NM_001347827.2, NM_001347829.2); c.1693-3_1693-2del (NM_001347830.2).
Identifiers: ClinVar variation 4861716 (VCV004861716.1).